The following is an entry in ClinVar:

NM_000465.4(BARD1):c.2001+6_2001+8del

Gene: BARD1 (BRCA1 associated RING domain 1; minus strand). Cytogenetic location: 2q35.
Variant type: Deletion.
Coding change: c.2001+6_2001+8del on transcript NM_000465.4 (MANE Select); bases 6 to 8 of the intron after coding-DNA position 2001, 3 bases deleted (TTT; older notation c.2001+6_2001+8delTTT).
Molecular consequence: intron variant.
Genome position (GRCh38, 1-based): chr2:214,730,403-214,730,405, AAA deleted on the plus strand (TTT on the coding strand, the reverse complement: BARD1 is on the minus strand); deleting any 3 consecutive bases within chr2:214,730,403-214,730,407 gives the same sequence; the c. name uses the placement nearest the transcript's 3' end. VCF-style (leftmost placement, unchanged base first): chr2-214730402-GAAA-G. GRCh37 (hg19) VCF-style: chr2-215595126-GAAA-G.
Other names: c.591+6_591+8del (NM_001282548.2); c.1944+6_1944+8del (NM_001282543.2); c.648+6_648+8del (NM_001282545.2); c.462+6_462+8del (NM_001282549.2).
Identifiers: ClinVar variation 1005828 (VCV001005828.7), dbSNP rs778163347, ClinGen allele CA1327046345.

ClinVar aggregate classification (germline): Uncertain significance (1 of 4 stars; one submission).

Conditions:
Familial cancer of breast. Also called: Hereditary breast cancer; hereditary breast carcinoma; BREAST CANCER, FAMILIAL. Identifiers: Orphanet 227535, MedGen C0346153, MONDO:0016419, OMIM 114480. Disease mechanism: loss of function.

Submission:

Labcorp Genetics (formerly Invitae), Labcorp
Classification: Uncertain significance for Familial cancer of breast. Last evaluated: 2020-10-20. Review status: criteria provided, single submitter. Criteria: Invitae Variant Classification Sherloc (09022015). Collection method: clinical testing. Allele origin: germline.
Comment: In summary, the available evidence is currently insufficient to determine the role of this variant in disease. Therefore, it has been classified as a Variant of Uncertain Significance. Nucleotide substitutions within the consensus splice site are a relatively common cause of aberrant splicing (PMID: 17576681, 9536098). Algorithms developed to predict the effect of sequence changes on RNA splicing suggest that this variant may disrupt the consensus splice site, but this prediction has not been confirmed by published transcriptional studies. This variant has not been reported in the literature in individuals with BARD1-related conditions. This variant is not present in population databases (ExAC no frequency). This sequence change falls in intron 10 of the BARD1 gene. It does not directly change the encoded amino acid sequence of the BARD1 protein. It affects a nucleotide within the consensus splice site of the intron.

Literature cited by the submitters: PubMed 17576681; PubMed 9536098.